The following is an entry in ClinVar:

ClinVar aggregate classification (germline): Pathogenic (1 of 4 stars; one submission).

Conditions:
Galactosylceramide beta-galactosidase deficiency. Also called: Leukodystrophy, Globoid Cell; Krabbe Disease; GALACTOCEREBROSIDASE DEFICIENCY; GALC DEFICIENCY; GLOBOID CELL LEUKOENCEPHALOPATHY. Identifiers: Orphanet 487, MedGen C0023521, MONDO:0009499, OMIM 245200.

Submission:

Labcorp Genetics (formerly Invitae), Labcorp
Classification: Pathogenic for Galactosylceramide beta-galactosidase deficiency. Last evaluated: 2022-11-01. Review status: criteria provided, single submitter. Criteria: Invitae Variant Classification Sherloc (09022015). Collection method: clinical testing. Allele origin: germline.
Comment: This variant is a gross deletion of the genomic region encompassing exon(s) 11-17 of the GALC gene, which includes the termination codon. This deletion extends beyond the assayed region for this gene and therefore may encompass additional genes. While this deletion is not anticipated to lead to nonsense mediated decay, it is expected to alter mRNA translation or result in a truncated protein product. A similar copy number variant has been observed in individual(s) with Krabbe disease. This particular variant is consistent with the well known 30kb deletion, which is the most common cause of Krabbe disease in the European population, found in more than 30% of affected individuals investigated and at a frequency of 0.2% in a sample of 2,330 control European individuals. This variant has been associated with an increased risk for primary open-angle glaucoma, but the clinical relevance of this finding is unclear (PMID: 7581365, 22073273, 26795590). Algorithms developed to predict the effect of variants on protein structure and function are not available or were not evaluated for this variant. Experimental studies have shown that a similar copy number variant affects GALC function (PMID: 7581365). For these reasons, this variant has been classified as Pathogenic.

Literature cited by the submitters: PubMed 7581365; PubMed 22073273; PubMed 26795590.

NC_000014.9:g.(?_87934720)_(87950758_?)del

Gene: GALC (galactosylceramidase; minus strand). Cytogenetic location: 14q31.3.
Variant type: Deletion.
Identifiers: ClinVar variation 830496 (VCV000830496.9).